The following is an entry in ClinVar:

ClinVar aggregate classification (germline): Likely benign. Review status: criteria provided, multiple submitters, no conflicts (2 of 4 stars). 3 submissions from 3 submitters: Likely benign (2). 1 of the submissions does not count toward it. Last evaluated 2025-02-09.

Conditions:
PARN-related disorder. Also called: PARN-related condition; PARN-related disorders.
Pulmonary fibrosis and/or bone marrow failure, Telomere-related, 4. Also called: PULMONARY FIBROSIS AND/OR BONE MARROW FAILURE SYNDROME, TELOMERE-RELATED, 4. Identifiers: Orphanet 2032, MedGen C4225347, MONDO:0014612, OMIM 616371.
Dyskeratosis congenita, autosomal recessive 6 (DKCB6). Identifiers: MedGen C4225356, MONDO:0014600, OMIM 616353.

Allele frequency attached by ClinVar (database versions not stated): gnomAD exomes 0.00011.
gnomAD v4.1: 157 of 1,591,496 alleles (0.0099%); highest among the groups gnomAD compares: Non-Finnish European, 0.012%; no homozygotes.

Submissions (3):

Labcorp Genetics (formerly Invitae), Labcorp
Classification: Likely benign for Dyskeratosis congenita, autosomal recessive 6; Pulmonary fibrosis and/or bone marrow failure, Telomere-related, 4. Last evaluated: 2025-02-09. Review status: criteria provided, single submitter. Criteria: Invitae Variant Classification Sherloc (09022015). Collection method: clinical testing. Allele origin: germline.

CeGaT Center for Human Genetics Tuebingen
Classification: Likely benign. Last evaluated: 2025-01-01. Review status: criteria provided, single submitter. Criteria: CeGaT Center For Human Genetics Tuebingen Variant Classification Criteria Version 2. Collection method: clinical testing. Allele origin: germline. Affected: yes. Observed: 1 variant allele.
Comment: PARN: BP4, BP7

PreventionGenetics, part of Exact Sciences
Classification: Likely benign for PARN-related condition. Last evaluated: 2019-03-11. Review status: no assertion criteria provided. Collection method: clinical testing. Allele origin: germline. Not counted in ClinVar's aggregate classification.
Comment: This variant is classified as likely benign based on ACMG/AMP sequence variant interpretation guidelines (Richards et al. 2015 PMID: 25741868, with internal and published modifications).

NM_002582.4(PARN):c.1875G>A (p.Ser625=)

Gene: PARN (poly(A)-specific ribonuclease; minus strand). Cytogenetic location: 16p13.12.
Variant type: single nucleotide variant.
Coding change: c.1875G>A on transcript NM_002582.4 (MANE Select); coding-DNA position 1875, G replaced by A.
Protein change: p.Ser625=; no amino-acid change (serine 625 retained).
Molecular consequence: synonymous variant.
Genome position (GRCh38, 1-based): chr16:14,436,762, C>T on the plus strand (G>A on the coding strand, the complement: PARN is on the minus strand). VCF-style: chr16-14436762-C-T. GRCh37 (hg19) VCF-style: chr16-14530619-C-T.
Other names: c.1692G>A, p.Ser564= (NM_001134477.3); c.1737G>A, p.Ser579= (NM_001242992.2); c.1875G>A (NM_002582.3).
Identifiers: ClinVar variation 1589772 (VCV001589772.23), dbSNP rs370090572, ClinGen allele CA7911897.